The following is an entry in ClinVar:

ClinVar aggregate classification (germline): Uncertain significance. Review status: criteria provided, multiple submitters, no conflicts (2 of 4 stars). 2 submissions from 2 submitters: Uncertain significance (2). Last evaluated 2025-11-19.

Conditions:
Hereditary cancer-predisposing syndrome. Also called: Neoplastic Syndromes, Hereditary; Hereditary Cancer Syndrome; Tumor predisposition; Hereditary neoplastic syndrome. Identifiers: Orphanet 140162, MedGen C0027672, MeSH D009386, MONDO:0015356.

Allele frequency attached by ClinVar (database versions not stated): gnomAD exomes below 0.00001; ExAC 0.00001.
gnomAD v4.1: 2 of 1,613,950 alleles (0.00012%); highest among the groups gnomAD compares: South Asian, 0.0022%; no homozygotes.

Submissions (2):

Ambry Genetics
Classification: Uncertain significance for Hereditary cancer-predisposing syndrome. Last evaluated: 2025-11-19. Review status: criteria provided, single submitter. Criteria: Ambry Variant Classification Scheme 2023. Collection method: clinical testing. Allele origin: germline.
Comment: The p.N2518S variant (also known as c.7553A>G), located in coding exon 15 of the APC gene, results from an A to G substitution at nucleotide position 7553. The asparagine at codon 2518 is replaced by serine, an amino acid with highly similar properties. This amino acid position is conserved. In addition, in silico predictors for this gene do not accurately predict pathogenicity. Since supporting evidence is limited at this time, the clinical significance of this alteration remains unclear.

Color Diagnostics, LLC DBA Color Health
Classification: Uncertain significance for Hereditary cancer-predisposing syndrome. Last evaluated: 2024-03-06. Review status: criteria provided, single submitter. Criteria: ACMG Guidelines, 2015. Collection method: clinical testing. Allele origin: germline.
Comment: This missense variant replaces asparagine with serine at codon 2518 of the APC protein. Computational prediction suggests that this variant may not impact protein structure and function (internally defined REVEL score threshold <= 0.5, PMID: 27666373). To our knowledge, functional studies have not been reported for this variant. This variant has not been reported in individuals affected with hereditary cancer in the literature. This variant has been identified in 1/251036 chromosomes in the general population by the Genome Aggregation Database (gnomAD). The available evidence is insufficient to determine the role of this variant in disease conclusively. Therefore, this variant is classified as a Variant of Uncertain Significance.

NM_000038.6(APC):c.7553A>G (p.Asn2518Ser)

Gene: APC (APC regulator of Wnt signaling pathway; plus strand). Cytogenetic location: 5q22.2.
Variant type: single nucleotide variant.
Coding change: c.7553A>G on transcript NM_000038.6 (MANE Select); coding-DNA position 7553, A replaced by G.
Protein change: p.Asn2518Ser; replaces asparagine 2518 with serine.
Molecular consequence: missense variant.
Genome position (GRCh38, 1-based): chr5:112,843,147, A>G. VCF-style: chr5-112843147-A-G. GRCh37 (hg19) VCF-style: chr5-112178844-A-G.
Other names: c.7553A>G, p.Asn2518Ser (NM_001127510.3, NM_001354895.2); c.7499A>G, p.Asn2500Ser (NM_001127511.3); c.7607A>G, p.Asn2536Ser (NM_001354896.2); c.7583A>G, p.Asn2528Ser (NM_001354897.2); c.7478A>G, p.Asn2493Ser (NM_001354898.2); c.7469A>G, p.Asn2490Ser (NM_001354899.2); c.7430A>G, p.Asn2477Ser (NM_001354900.2); c.7376A>G, p.Asn2459Ser (NM_001354901.2); and 5 more; short protein forms N2417S, N2500S, N2235S, N2427S, N2358S, N2392S, N2459S, N2493S.
Identifiers: ClinVar variation 927392 (VCV000927392.7), dbSNP rs781226556, ClinGen allele CA048409.